The following is an entry in ClinVar:

NM_007294.4(BRCA1):c.2929C>G (p.Pro977Ala)

Gene: BRCA1 (BRCA1 DNA repair associated; minus strand). Cytogenetic location: 17q21.31.
Variant type: single nucleotide variant.
Coding change: c.2929C>G on transcript NM_007294.4 (MANE Select); coding-DNA position 2929, C replaced by G.
Protein change: p.Pro977Ala; replaces proline 977 with alanine.
Molecular consequence: missense variant. On other transcripts: intron variant (137).
Genome position (GRCh38, 1-based): chr17:43,092,602, G>C on the plus strand (C>G on the coding strand, the complement: BRCA1 is on the minus strand). VCF-style: chr17-43092602-G-C. GRCh37 (hg19) VCF-style: chr17-41244619-G-C.
Other names: c.2929C>G, p.Pro977Ala (NM_007300.4, NM_001407581.1, NM_001407582.1 and 30 more transcripts); c.284-1570C>G (NM_001408512.1); c.644-1570C>G (NM_001408470.1, NM_001408465.1, NM_001408463.1 and 3 more transcripts); c.647-1570C>G (NM_001408469.1, NM_001408453.1, NM_001408458.1 and 11 more transcripts); c.407-1570C>G (NM_001408510.1); c.2926C>G, p.Pro976Ala (NM_001407633.1, NM_001407637.1, NM_001407635.1 and 22 more transcripts); c.578-1570C>G (NM_001408482.1, NM_001408484.1, NM_001408478.1 and 9 more transcripts); c.521-1570C>G (NM_001408504.1, NM_001408503.1, NM_001408505.1); and 41 more; short protein forms P977A, P930A, P849A, P950A, P681A, P866A, P910A, P929A.
Identifiers: ClinVar variation 927296 (VCV000927296.19), dbSNP rs1064794043, ClinGen allele CA10596135.

ClinVar aggregate classification (germline): Conflicting classifications of pathogenicity. Review status: criteria provided, conflicting classifications (1 of 4 stars). 4 submissions from 4 submitters: Uncertain significance (3); Likely benign (1). Last evaluated 2024-09-30.

Conditions:
Hereditary cancer-predisposing syndrome. Also called: Neoplastic Syndromes, Hereditary; Hereditary Cancer Syndrome; Tumor predisposition; Hereditary neoplastic syndrome. Identifiers: Orphanet 140162, MedGen C0027672, MeSH D009386, MONDO:0015356.
Hereditary breast ovarian cancer syndrome. Also called: Hereditary breast and ovarian cancer syndrome; Hereditary breast and ovarian cancer syndrome (HBOC); Hereditary breast and/or ovarian cancer syndrome; Hereditary breast and ovarian cancer; Breast and ovarian cancer; BRCA1- and BRCA2-Associated Hereditary Breast and Ovarian Cancer. Identifiers: Orphanet 145, MedGen C0677776, MeSH D061325, MONDO:0003582. Disease mechanism: loss of function.

Submissions (4):

Labcorp Genetics (formerly Invitae), Labcorp
Classification: Uncertain significance for Hereditary breast ovarian cancer syndrome. Last evaluated: 2024-09-30. Review status: criteria provided, single submitter. Criteria: Invitae Variant Classification Sherloc (09022015). Collection method: clinical testing. Allele origin: germline.
Comment: This sequence change replaces proline, which is neutral and non-polar, with alanine, which is neutral and non-polar, at codon 977 of the BRCA1 protein (p.Pro977Ala). This variant is not present in population databases (gnomAD no frequency). This variant has not been reported in the literature in individuals affected with BRCA1-related conditions. ClinVar contains an entry for this variant (Variation ID: 927296). Invitae Evidence Modeling of protein sequence and biophysical properties (such as structural, functional, and spatial information, amino acid conservation, physicochemical variation, residue mobility, and thermodynamic stability) indicates that this missense variant is not expected to disrupt BRCA1 protein function with a negative predictive value of 95%. In summary, the available evidence is currently insufficient to determine the role of this variant in disease. Therefore, it has been classified as a Variant of Uncertain Significance.

Ambry Genetics
Classification: Uncertain significance for Hereditary cancer-predisposing syndrome. Last evaluated: 2023-09-21. Review status: criteria provided, single submitter. Criteria: Ambry Variant Classification Scheme 2023. Collection method: clinical testing. Allele origin: germline.
Comment: The p.P977A variant (also known as c.2929C>G), located in coding exon 9 of the BRCA1 gene, results from a C to G substitution at nucleotide position 2929. The proline at codon 977 is replaced by alanine, an amino acid with highly similar properties. This amino acid position is conserved. In addition, the in silico prediction for this alteration is inconclusive. Since supporting evidence is limited at this time, the clinical significance of this alteration remains unclear.

University of Washington Department of Laboratory Medicine, University of Washington
Classification: Likely benign for Hereditary cancer-predisposing syndrome. Last evaluated: 2023-03-23. Review status: criteria provided, single submitter. Criteria: Dines et al. (Genet Med. 2020). Collection method: curation. Allele origin: germline.
Comment: Missense variant in a coldspot region where missense variants are very unlikely to be pathogenic (PMID:31911673).

BRCA1 coldspot (exon 11 using historical exon numbering). Reclassification based on statistical prior probability

Color Diagnostics, LLC DBA Color Health
Classification: Uncertain significance for Hereditary cancer-predisposing syndrome. Last evaluated: 2019-04-23. Review status: criteria provided, single submitter. Criteria: ACMG Guidelines, 2015. Collection method: clinical testing. Allele origin: germline.